The following is an entry in ClinVar:

ClinVar aggregate classification (germline): Uncertain significance (1 of 4 stars; one submission).

Submission:

GeneDx
Classification: Uncertain significance. Last evaluated: 2026-03-14. Review status: criteria provided, single submitter. Criteria: GeneDx Variant Classification Process June 2021. Collection method: clinical testing. Allele origin: germline.
Comment: Not observed at significant frequency in large population cohorts (gnomAD); In silico analysis supports a deleterious effect on splicing; In silico analysis supports that this missense variant has a deleterious effect on protein structure/function; Has not been previously published as pathogenic or benign to our knowledge

NM_001123385.2(BCOR):c.3644G>C (p.Arg1215Thr)

Gene: BCOR (BCL6 corepressor; minus strand). Cytogenetic location: Xp11.4.
Variant type: single nucleotide variant.
Coding change: c.3644G>C on transcript NM_001123385.2 (MANE Select); coding-DNA position 3644, G replaced by C.
Protein change: p.Arg1215Thr; replaces arginine 1215 with threonine.
Molecular consequence: missense variant.
Genome position (GRCh38, 1-based): chrX:40,063,811, C>G on the plus strand (G>C on the coding strand, the complement: BCOR is on the minus strand). VCF-style: chrX-40063811-C-G. GRCh37 (hg19) VCF-style: chrX-39923064-C-G.
Other names: c.3542G>C, p.Arg1181Thr (NM_001123383.2, NM_001438208.1, NM_017745.6); c.3488G>C, p.Arg1163Thr (NM_001123384.2); c.3644G>C, p.Arg1215Thr (NM_001437510.1, NM_001437511.1); c.3590G>C, p.Arg1197Thr (NM_001438207.1); short protein forms R1181T, R1163T, R1197T, R1215T.
Identifiers: ClinVar variation 5008919 (VCV005008919.1).
Genomic context (GRCh38, chrX:40,063,811, plus strand): 5'-TTCCTGCTTTGCCGGCCAGGTTTGCCATCTGCTGCCGACACCTGCTGCTCCCATCGTTCT[C>G]TAAGGTGCAGCAAGTGGCGTTGTTTTTTAGGATGGAGCCCTGTTAATTCAATGCACACCT-3'
Protein context (NP_001116857.1, residues 1205-1225): PKKQRHLLHL[Arg1215Thr]ERWEQQVSAA